The following is an entry in ClinVar:

ClinVar aggregate classification (germline): Uncertain significance. Review status: criteria provided, multiple submitters, no conflicts (2 of 4 stars). 3 submissions from 3 submitters: Uncertain significance (3). Last evaluated 2025-07-21.

Conditions:
SIX2-related disorder. Also called: SIX2-related condition.

Allele frequency attached by ClinVar (database versions not stated): gnomAD 0.00001; TOPMed 0.00001; gnomAD exomes 0.00002.

Submissions (3):

Labcorp Genetics (formerly Invitae), Labcorp
Classification: Uncertain significance. Last evaluated: 2025-07-21. Review status: criteria provided, single submitter. Criteria: Invitae Variant Classification Sherloc (09022015). Collection method: clinical testing. Allele origin: germline.
Comment: This sequence change replaces proline, which is neutral and non-polar, with leucine, which is neutral and non-polar, at codon 250 of the SIX2 protein (p.Pro250Leu). This variant is present in population databases (no rsID available, gnomAD 0.003%). This variant has not been reported in the literature in individuals affected with SIX2-related conditions. ClinVar contains an entry for this variant (Variation ID: 2350280). An algorithm developed to predict the effect of missense changes on protein structure and function (PolyPhen-2) suggests that this variant is likely to be tolerated. In summary, the available evidence is currently insufficient to determine the role of this variant in disease. Therefore, it has been classified as a Variant of Uncertain Significance.

PreventionGenetics, part of Exact Sciences
Classification: Uncertain significance for SIX2-related condition. Last evaluated: 2024-12-19. Review status: criteria provided, single submitter. Criteria: ACMG Guidelines, 2015. Collection method: clinical testing. Allele origin: germline.
Comment: The SIX2 c.749C>T variant is predicted to result in the amino acid substitution p.Pro250Leu. To our knowledge, this variant has not been reported in the literature. This variant is reported in 0.0029% of alleles in individuals of Latino descent in gnomAD. At this time, the clinical significance of this variant is uncertain due to the absence of conclusive functional and genetic evidence.

Ambry Genetics
Classification: Uncertain significance. Last evaluated: 2024-11-21. Review status: criteria provided, single submitter. Criteria: Ambry Variant Classification Scheme 2023. Collection method: clinical testing. Allele origin: germline.

NM_016932.5(SIX2):c.749C>T (p.Pro250Leu)

Gene: SIX2 (SIX homeobox 2; minus strand). Cytogenetic location: 2p21.
Variant type: single nucleotide variant.
Coding change: c.749C>T on transcript NM_016932.5 (MANE Select); coding-DNA position 749, C replaced by T.
Protein change: p.Pro250Leu; replaces proline 250 with leucine.
Molecular consequence: missense variant.
Genome position (GRCh38, 1-based): chr2:45,006,297, G>A on the plus strand (C>T on the coding strand, the complement: SIX2 is on the minus strand). VCF-style: chr2-45006297-G-A. GRCh37 (hg19) VCF-style: chr2-45233436-G-A.
Other names: short protein forms P250L.
Identifiers: ClinVar variation 2350280 (VCV002350280.6), dbSNP rs1258142065, ClinGen allele CA346801080.
Genomic context (GRCh38, chr2:45,006,297, plus strand): 5'-TGTTGCAGTGGGTCCGCTCCACCTCCGCCTGGCACCGGCACTGGCACTGCGCTGGGGCCC[G>A]GAGGGTGGCCCAGGCTGTGCAGGGACGGCAGCCCAGGGGGCGGCGGGCTGAGGAGCAGTG-3'
Protein context (NP_058628.3, residues 240-260): LPSLHSLGHP[Pro250Leu]GPSAVPVPVP